The following is an entry in ClinVar:

NM_000254.3(MTR):c.1325C>A (p.Ala442Glu)

Gene: MTR (5-methyltetrahydrofolate-homocysteine methyltransferase; plus strand). Cytogenetic location: 1q43.
Variant type: single nucleotide variant.
Coding change: c.1325C>A on transcript NM_000254.3 (MANE Select); coding-DNA position 1325, C replaced by A.
Protein change: p.Ala442Glu; replaces alanine 442 with glutamic acid.
Molecular consequence: missense variant.
Genome position (GRCh38, 1-based): chr1:236,835,683, C>A. VCF-style: chr1-236835683-C-A. GRCh37 (hg19) VCF-style: chr1-236998983-C-A.
Other names: c.1325C>A, p.Ala442Glu (NM_001291939.1); c.104C>A, p.Ala35Glu (NM_001291940.2); short protein forms A35E, A442E.
Identifiers: ClinVar variation 1311222 (VCV001311222.4), dbSNP rs770004849, ClinGen allele CA39753889.

ClinVar aggregate classification (germline): Uncertain significance. Review status: criteria provided, multiple submitters, no conflicts (2 of 4 stars). 3 submissions from 3 submitters: Uncertain significance (3). Last evaluated 2024-06-17.

Conditions:
Inborn genetic diseases. Identifiers: MedGen C0950123, MeSH D030342.
Methylcobalamin deficiency type cblG (HMAG). Also called: Functional methionine synthase deficiency type cblG; HOMOCYSTINURIA-MEGALOBLASTIC ANEMIA, cblG TYPE; HOMOCYSTINURIA-MEGALOBLASTIC ANEMIA, cblG COMPLEMENTATION TYPE; HOMOCYSTINURIA-MEGALOBLASTIC ANEMIA DUE TO DEFECT IN COBALAMIN METABOLISM, cblG COMPLEMENTATION TYPE. Identifiers: Orphanet 2170, Orphanet 622, MedGen C1855128, MONDO:0009609, OMIM 250940.

Allele frequency attached by ClinVar (database versions not stated): gnomAD exomes below 0.00001; TOPMed 0.00001.
gnomAD v4.1: 2 of 1,612,884 alleles (0.00012%); no homozygotes.

Submissions (3):

Ambry Genetics
Classification: Uncertain significance for Inborn genetic diseases. Last evaluated: 2024-06-17. Review status: criteria provided, single submitter. Criteria: Ambry Variant Classification Scheme 2023. Collection method: clinical testing. Allele origin: germline.

Labcorp Genetics (formerly Invitae), Labcorp
Classification: Uncertain significance for Methylcobalamin deficiency type cblG. Last evaluated: 2022-09-12. Review status: criteria provided, single submitter. Criteria: Invitae Variant Classification Sherloc (09022015). Collection method: clinical testing. Allele origin: germline.
Comment: This sequence change replaces alanine, which is neutral and non-polar, with glutamic acid, which is acidic and polar, at codon 442 of the MTR protein (p.Ala442Glu). This variant is present in population databases (rs770004849, gnomAD 0.007%). This variant has not been reported in the literature in individuals affected with MTR-related conditions. ClinVar contains an entry for this variant (Variation ID: 1311222). Advanced modeling of protein sequence and biophysical properties (such as structural, functional, and spatial information, amino acid conservation, physicochemical variation, residue mobility, and thermodynamic stability) performed at Invitae indicates that this missense variant is expected to disrupt MTR protein function. In summary, the available evidence is currently insufficient to determine the role of this variant in disease. Therefore, it has been classified as a Variant of Uncertain Significance.

GeneDx
Classification: Uncertain significance. Last evaluated: 2019-12-17. Review status: criteria provided, single submitter. Criteria: GeneDx Variant Classification Process June 2021. Collection method: clinical testing. Allele origin: germline. Affected: yes.
Comment: Not observed at a significant frequency in large population cohorts (Lek et al., 2016); In silico analysis, which includes protein predictors and evolutionary conservation, supports a deleterious effect; Has not been previously published as pathogenic or benign to our knowledge